The following is an entry in ClinVar:

NM_000256.3(MYBPC3):c.1766G>A (p.Arg589His)

Gene: MYBPC3 (myosin binding protein C3; minus strand). Cytogenetic location: 11p11.2.
Variant type: single nucleotide variant.
Coding change: c.1766G>A on transcript NM_000256.3 (MANE Select); coding-DNA position 1766, G replaced by A.
Protein change: p.Arg589His; replaces arginine 589 with histidine.
Molecular consequence: missense variant.
Genome position (GRCh38, 1-based): chr11:47,342,015, C>T on the plus strand (G>A on the coding strand, the complement: MYBPC3 is on the minus strand). VCF-style: chr11-47342015-C-T. GRCh37 (hg19) VCF-style: chr11-47363566-C-T.
Other names: p.R589H:CGC>CAC; short protein forms R589H.
Identifiers: ClinVar variation 42563 (VCV000042563.29), dbSNP rs397515923, ClinGen allele CA011050.

ClinVar aggregate classification (germline): Uncertain significance. Review status: criteria provided, multiple submitters, no conflicts (2 of 4 stars). 12 submissions from 12 submitters: Uncertain significance (10). 2 of the submissions do not count toward it. Last evaluated 2026-01-22.

Conditions:
Cardiovascular phenotype. Identifiers: MedGen CN230736.
Cardiomyopathy (CMYO). Also called: Cardiomyopathies. Identifiers: Orphanet 167848, MedGen C0878544, MONDO:0004994, HP:0001638. Inheritance: Various modes of inheritance.
Hypertrophic cardiomyopathy 4. Also called: Familial hypertrophic cardiomyopathy 4. Identifiers: MedGen C1861862, MONDO:0007268, OMIM 115197.
Hypertrophic cardiomyopathy. Also called: HYPERTROPHIC MYOCARDIOPATHY. Identifiers: Orphanet 217569, MedGen C0007194, MeSH D002312, MONDO:0005045, HP:0001639.

Allele frequency attached by ClinVar (database versions not stated): gnomAD 0.00001; gnomAD exomes 0.00001; TOPMed 0.00002; ExAC 0.00003.

Submissions (12):

Labcorp Genetics (formerly Invitae), Labcorp
Classification: Uncertain significance for Hypertrophic cardiomyopathy. Last evaluated: 2026-01-22. Review status: criteria provided, single submitter. Criteria: Invitae Variant Classification Sherloc (09022015). Collection method: clinical testing. Allele origin: germline.
Comment: This sequence change replaces arginine, which is basic and polar, with histidine, which is basic and polar, at codon 589 of the MYBPC3 protein (p.Arg589His). The frequency data for this variant in the population databases is considered unreliable, as metrics indicate poor data quality at this position in the gnomAD database. This missense change has been observed in individual(s) with hypertrophic cardiomyopathy (PMID: 16679492, 21750094, 27476098, 27532257, 37652022). ClinVar contains an entry for this variant (Variation ID: 42563). An algorithm developed to predict the effect of missense changes on protein structure and function (PolyPhen-2) suggests that this variant is likely to be disruptive. This variant disrupts the p.Arg589 amino acid residue in MYBPC3. Other variant(s) that disrupt this residue have been observed in individuals with MYBPC3-related conditions (PMID: 30105547), which suggests that this may be a clinically significant amino acid residue. In summary, the available evidence is currently insufficient to determine the role of this variant in disease. Therefore, it has been classified as a Variant of Uncertain Significance.

Women's Health and Genetics/Laboratory Corporation of America, LabCorp
Classification: Uncertain significance. Last evaluated: 2026-01-12. Review status: criteria provided, single submitter. Criteria: LabCorp Variant Classification Summary - May 2015. Collection method: clinical testing. Allele origin: germline.
Comment: Variant summary: MYBPC3 c.1766G>A (p.Arg589His) results in a non-conservative amino acid change in the encoded protein sequence. Algorithms developed to predict the effect of missense changes on protein structure and function all suggest that this variant is likely to be disruptive. The variant allele was found at a frequency of 1e-05 in 196608 control chromosomes. The available data on variant occurrences in the general population are insufficient to allow any conclusion about variant significance. c.1766G>A has been observed in individuals affected with Hypertrophic Cardiomyopathy without strong evidence for causality (e.g. Lekanne_2006, Waldmuller_2011, van Velzen_2017, Walsh_2017, Ho_2018). In at least one of these publications, the variant was detected in cis with another pathogenic variant (MYBPC3 c.3288delG, p.Glu1096AspfsX93, and this patient also carried MYBPC3 c.2827C>T, p.Arg943X in trans; Lekanne_2006). Co-occurrence with MYBPC3 c.3288delG has also been reported in three samples tested in our laboratory (phase unknown), providing supporting evidence for a benign role. To our knowledge, no experimental evidence demonstrating an impact on protein function has been reported. The following publications have been ascertained in the context of this evaluation (PMID: 30297972, 16679492, 21750094, 27532257, 27476098). ClinVar contains an entry for this variant (Variation ID: 42563). Based on the evidence outlined above, the variant was classified as VUS-possibly benign.

Color Diagnostics, LLC DBA Color Health
Classification: Uncertain significance for Cardiomyopathy. Last evaluated: 2024-10-15. Review status: criteria provided, single submitter. Criteria: ACMG Guidelines, 2015. Collection method: clinical testing. Allele origin: germline.
Comment: This missense variant replaces arginine with histidine at codon 589 of the MYBPC3 protein. Computational prediction suggests that this variant may have deleterious impact on protein structure and function. To our knowledge, functional studies have not been reported for this variant. This variant has been reported in several individuals affected with hypertrophic cardiomyopathy (PMID: 21750094, 27476098, 27532257, 30297972, 34389451; Makul, 2019, DOI: 10.1016/j.bpj.2018.11.1424). This variant has also been reported in an infant affected with hypertrophic cardiomyopathy, who carried another pathogenic truncation variant in the same gene (PMID: 16679492). Additionally, this variant has been reported in an individual affected with dilated cardiomyopathy (PMID: 37904629). This variant has been identified in 2/196408 chromosomes in the general population by the Genome Aggregation Database (gnomAD). The available evidence is insufficient to determine the role of this variant in disease conclusively. Therefore, this variant is classified as a Variant of Uncertain Significance.

All of Us Research Program, National Institutes of Health
Classification: Uncertain significance for Hypertrophic cardiomyopathy. Last evaluated: 2023-12-18. Review status: criteria provided, single submitter. Criteria: ACMG Guidelines, 2015. Collection method: clinical testing. Allele origin: germline. Inheritance: Autosomal dominant inheritance. Observed: 4 variant alleles, 4 heterozygotes.
Comment: This missense variant replaces arginine with histidine at codon 589 of the MYBPC3 protein. Computational prediction suggests that this variant may have deleterious impact on protein structure and function (internally defined REVEL score threshold >= 0.7, PMID: 27666373). To our knowledge, functional studies have not been reported for this variant. This variant has been reported in several individuals affected with hypertrophic cardiomyopathy (PMID: 21750094, 27476098, 27532257, 30297972, 34389451; Makul, 2019, DOI: 10.1016/j.bpj.2018.11.1424). This variant has also been reported in a neonate with hypertrophic cardiomyopathy, who carried another pathogenic truncation variant in the same gene that could explain the observed disease (PMID: 16679492). This variant has been identified in 2/196408 chromosomes in the general population by the Genome Aggregation Database (gnomAD). The available evidence is insufficient to determine the role of this variant in disease conclusively. Therefore, this variant is classified as a Variant of Uncertain Significance.

This study involves interpretation of variants in research participants for the purpose of population health screening. Participant phenotype was not available at the time of variant classification. Additional details can be found in publication PMID: 35346344, PMCID: PMC8962531

GeneDx
Classification: Uncertain significance. Last evaluated: 2023-04-15. Review status: criteria provided, single submitter. Criteria: GeneDx Variant Classification Process June 2021. Collection method: clinical testing. Allele origin: germline. Affected: yes.
Comment: Present in an infant with severe HCM who had two other pathogenic variants in the MYBPC3 gene; the R589H variant was found to be on the same allele as the c.3288delG frameshift pathogenic variant (Lekanne Deprez et al., 2006); Not observed at a significant frequency in large population cohorts (gnomAD); In silico analysis supports that this missense variant has a deleterious effect on protein structure/function; This variant is associated with the following publications: (PMID: 27532257, 30847666, 16679492, 21750094, 28138913)

Blueprint Genetics
Classification: Uncertain significance. Last evaluated: 2022-10-14. Review status: criteria provided, single submitter. Criteria: ACMG Guidelines, 2015. Collection method: clinical testing. Allele origin: germline.

AiLife Diagnostics
Classification: Uncertain significance. Last evaluated: 2022-02-10. Review status: criteria provided, single submitter. Criteria: ACMG Guidelines, 2015. Collection method: clinical testing. Allele origin: germline. Affected: yes. Observed: 1 variant allele.

Center for Advanced Laboratory Medicine, UC San Diego Health, University of California San Diego
Classification: Uncertain significance for Hypertrophic cardiomyopathy. Last evaluated: 2019-04-01. Review status: criteria provided, single submitter. Criteria: ACMG Guidelines, 2015. Collection method: clinical testing. Allele origin: germline. Affected: yes. Observed: 1 variant allele.

Ambry Genetics
Classification: Uncertain significance for Cardiovascular phenotype. Last evaluated: 2016-11-29. Review status: criteria provided, single submitter. Criteria: Ambry General Variant Classification Scheme_2022. Collection method: clinical testing. Allele origin: germline. Observed: 1 variant allele.
Comment: The p.R589H variant (also known as c.1766G>A), located in coding exon 18 of the MYBPC3 gene, results from a G to A substitution at nucleotide position 1766. The arginine at codon 589 is replaced by histidine, an amino acid with highly similar properties. This alteration has been reported in two individuals with hypertrophic cardiomyopathy (HCM) (Lekanne Deprez RH, J. Med. Genet. 2006 Oct; 43(10):829-32; Waldm&uuml;ller S, Eur. J. Heart Fail. 2011 Nov; 13(11):1185-92). One of these reports was in an infant with HCM who also carried a nonsense and a frameshift alteration in MYBPC3, which were inherited from unaffected parents (Lekanne Deprez RH, J. Med. Genet. 2006 Oct; 43(10):829-32). This amino acid position is highly conserved in available vertebrate species. In addition, the in silico prediction for this alteration is inconclusive. Since supporting evidence is limited at this time, the clinical significance of this variant remains unclear.

Laboratory for Molecular Medicine, Mass General Brigham Personalized Medicine
Classification: Uncertain significance. Last evaluated: 2014-08-06. Review status: criteria provided, single submitter. Criteria: LMM Criteria. Collection method: clinical testing. Allele origin: germline. Observed: 6 variant alleles.
Comment: The Arg589His variant in MYBPC3 has been identified in 4 individuals with HCM (1 infant, 1 child, 2 adults), three of whom carried other pathogenic variants in MYBPC3 (Lekanne Deprez 2006, Waldmuller 2011, LMM unpublished data). It was abse nt from large population studies. Computational prediction tools and conservatio n analysis do not provide strong support for or against an impact to the protein . In summary, the clinical significance of this variant is uncertain.

Clinical Genetics, Academic Medical Center
Classification: Uncertain significance. Review status: no assertion criteria provided. Collection method: clinical testing. Allele origin: germline. Affected: yes. Study: VKGL Data-share Consensus. Not counted in ClinVar's aggregate classification.

Diagnostic Laboratory, Department of Genetics, University Medical Center Groningen
Classification: Uncertain significance for Hypertrophic cardiomyopathy 4. Review status: no assertion criteria provided. Collection method: clinical testing. Allele origin: germline. Affected: yes. Study: VKGL Data-share Consensus. Not counted in ClinVar's aggregate classification.

Literature cited by the submitters: PubMed 16679492 (cited by 7 submitters); PubMed 21750094 (cited by 7 submitters); PubMed 27476098 (cited by 4 submitters); PubMed 27532257 (cited by 5 submitters); PubMed 37652022 (cited by Labcorp Genetics (formerly Invitae), Labcorp); PubMed 30105547 (cited by Labcorp Genetics (formerly Invitae), Labcorp); PubMed 30297972 (cited by 3 submitters); PubMed 34389451 (cited by Color Diagnostics, LLC DBA Color Health and All of Us Research Program, National Institutes of Health); PubMed 37904629 (cited by Color Diagnostics, LLC DBA Color Health).